The following is an entry in ClinVar:

NM_001128148.3(TFRC):c.1307T>C (p.Met436Thr)

Gene: TFRC (transferrin receptor; minus strand). Cytogenetic location: 3q29.
Variant type: single nucleotide variant.
Coding change: c.1307T>C on transcript NM_001128148.3 (MANE Select); coding-DNA position 1307, T replaced by C.
Protein change: p.Met436Thr; replaces methionine 436 with threonine.
Molecular consequence: missense variant.
Genome position (GRCh38, 1-based): chr3:196,064,320, A>G on the plus strand (T>C on the coding strand, the complement: TFRC is on the minus strand). VCF-style: chr3-196064320-A-G. GRCh37 (hg19) VCF-style: chr3-195791191-A-G.
Other names: c.1064T>C, p.Met355Thr (NM_001313965.2); c.461T>C, p.Met154Thr (NM_001313966.2); c.1307T>C, p.Met436Thr (NM_003234.4); short protein forms M436T, M154T, M355T.
Identifiers: ClinVar variation 1991411 (VCV001991411.5), dbSNP rs369766747, ClinGen allele CA2777971.
Genomic context (GRCh38, chr3:196,064,320, plus strand): 5'-ACTGTATGCAGTGCACCAATATTCAAAAGAATCAAAATTTGTACTCTACCTTTTAAGACC[A>G]TATCTGAGAACATCTGGGCAAGTTTCAATAGGAGAGCTGTGCCTACACCGGATTTTGCAG-3'
Protein context (NP_001121620.1, residues 426-446): LLKLAQMFSD[Met436Thr]VLKDGFQPSR

ClinVar aggregate classification (germline): Uncertain significance. Review status: criteria provided, multiple submitters, no conflicts (2 of 4 stars). 2 submissions from 2 submitters: Uncertain significance (2). Last evaluated 2026-01-06.

Allele frequency attached by ClinVar (database versions not stated): gnomAD 0.00003; TOPMed 0.00005; ExAC 0.00006; gnomAD exomes 0.00007; ESP Exome Variant Server 0.00015.
gnomAD v4.1: 104 of 1,610,672 alleles (0.0065%); highest among the groups gnomAD compares: Middle Eastern, 0.017%; 1 homozygote.

Submissions (2):

Labcorp Genetics (formerly Invitae), Labcorp
Classification: Uncertain significance. Last evaluated: 2026-01-06. Review status: criteria provided, single submitter. Criteria: Invitae Variant Classification Sherloc (09022015). Collection method: clinical testing. Allele origin: germline.
Comment: This sequence change replaces methionine, which is neutral and non-polar, with threonine, which is neutral and polar, at codon 436 of the TFRC protein (p.Met436Thr). This variant is present in population databases (rs369766747, gnomAD 0.02%). This variant has not been reported in the literature in individuals affected with TFRC-related conditions. ClinVar contains an entry for this variant (Variation ID: 1991411). Invitae Evidence Modeling of protein sequence and biophysical properties (such as structural, functional, and spatial information, amino acid conservation, physicochemical variation, residue mobility, and thermodynamic stability) indicates that this missense variant is expected to disrupt TFRC protein function with a positive predictive value of 80%. In summary, the available evidence is currently insufficient to determine the role of this variant in disease. Therefore, it has been classified as a Variant of Uncertain Significance.

Blueprint Genetics
Classification: Uncertain significance. Last evaluated: 2024-09-07. Review status: criteria provided, single submitter. Criteria: ACMG Guidelines, 2015. Collection method: clinical testing. Allele origin: germline.